The following is an entry in ClinVar:

ClinVar aggregate classification (germline): Uncertain significance (1 of 4 stars; one submission).

Submission:

Labcorp Genetics (formerly Invitae), Labcorp
Classification: Uncertain significance. Last evaluated: 2026-01-01. Review status: criteria provided, single submitter. Criteria: Invitae Variant Classification Sherloc (09022015). Collection method: clinical testing. Allele origin: germline.
Comment: This sequence change replaces arginine, which is basic and polar, with cysteine, which is neutral and slightly polar, at codon 110 of the RPL18 protein (p.Arg110Cys). This variant is present in population databases (no rsID available, gnomAD 0.004%). This variant has not been reported in the literature in individuals affected with RPL18-related conditions. An algorithm developed to predict the effect of missense changes on protein structure and function (PolyPhen-2) suggests that this variant is likely to be tolerated. In summary, the available evidence is currently insufficient to determine the role of this variant in disease. Therefore, it has been classified as a Variant of Uncertain Significance.

NM_000979.4(RPL18):c.328C>T (p.Arg110Cys)

Gene: RPL18 (ribosomal protein L18; minus strand). Cytogenetic location: 19q13.33.
Variant type: single nucleotide variant.
Coding change: c.328C>T on transcript NM_000979.4 (MANE Select); coding-DNA position 328, C replaced by T.
Protein change: p.Arg110Cys; replaces arginine 110 with cysteine.
Molecular consequence: missense variant. On other transcripts: non-coding transcript variant (1).
Genome position (GRCh38, 1-based): chr19:48,616,172, G>A on the plus strand (C>T on the coding strand, the complement: RPL18 is on the minus strand). VCF-style: chr19-48616172-G-A. GRCh37 (hg19) VCF-style: chr19-49119429-G-A.
Other names: c.241C>T, p.Arg81Cys (NM_001270490.2); short protein forms R81C, R110C.
Identifiers: ClinVar variation 4739176 (VCV004739176.1).
Genomic context (GRCh38, chr19:48,616,172, plus strand): 5'-AGTCCAGGGCCAGCTGGTCGAAAGTGAGGATCTTGCCCCCTGCCCTGAGGATGCGGCTGC[G>A]GGCCCGGCTGGTCACGCGCAGTGCACATACCTGGTGGAGAGGACAAGGCTGGCGGGTCAG-3'
Protein context (NP_000970.1, residues 100-120): VCALRVTSRA[Arg110Cys]SRILRAGGKI